The following is an entry in ClinVar:

ClinVar aggregate classification (germline): Uncertain significance (0 of 4 stars; one submission).

Conditions:
AFF4-related disorder. Also called: AFF4-related condition.

gnomAD v4.1: 2 of 1,613,080 alleles (0.00012%); highest among the groups gnomAD compares: Non-Finnish European, 0.00017%; no homozygotes.

Submission:

PreventionGenetics, part of Exact Sciences
Classification: Uncertain significance for AFF4-related condition. Last evaluated: 2024-06-18. Review status: no assertion criteria provided. Collection method: clinical testing. Allele origin: germline.
Comment: The AFF4 c.1196A>G variant is predicted to result in the amino acid substitution p.Asp399Gly. To our knowledge, this variant has not been reported in the literature or in a large population database, indicating this variant is rare. At this time, the clinical significance of this variant is uncertain due to the absence of conclusive functional and genetic evidence.

NM_014423.4(AFF4):c.1196A>G (p.Asp399Gly)

Gene: AFF4 (ALF transcription elongation factor 4; minus strand). Cytogenetic location: 5q31.1.
Variant type: single nucleotide variant.
Coding change: c.1196A>G on transcript NM_014423.4 (MANE Select); coding-DNA position 1196, A replaced by G.
Protein change: p.Asp399Gly; replaces aspartic acid 399 with glycine.
Molecular consequence: missense variant.
Genome position (GRCh38, 1-based): chr5:132,899,134, T>C on the plus strand (A>G on the coding strand, the complement: AFF4 is on the minus strand). VCF-style: chr5-132899134-T-C. GRCh37 (hg19) VCF-style: chr5-132234826-T-C.
Other names: short protein forms D399G.
Identifiers: ClinVar variation 3356354 (VCV003356354.1).